The following is an entry in ClinVar:

NM_138694.4(PKHD1):c.10916C>A (p.Pro3639His)

Gene: PKHD1 (PKHD1 ciliary IPT domain containing fibrocystin/polyductin; minus strand). Cytogenetic location: 6p12.3.
Variant type: single nucleotide variant.
Coding change: c.10916C>A on transcript NM_138694.4 (MANE Select); coding-DNA position 10916, C replaced by A.
Protein change: p.Pro3639His; replaces proline 3639 with histidine.
Molecular consequence: missense variant.
Genome position (GRCh38, 1-based): chr6:51,659,210, G>T on the plus strand (C>A on the coding strand, the complement: PKHD1 is on the minus strand). VCF-style: chr6-51659210-G-T. GRCh37 (hg19) VCF-style: chr6-51524008-G-T.
Other names: short protein forms P3639H.
Identifiers: ClinVar variation 3357523 (VCV003357523.1).

ClinVar aggregate classification (germline): Uncertain significance (0 of 4 stars; one submission).

Conditions:
PKHD1-related disorder. Also called: PKHD1-related condition.

gnomAD v4.1: 31 of 1,613,660 alleles (0.0019%); highest among the groups gnomAD compares: African/African-American, 0.031%; no homozygotes.

Submission:

PreventionGenetics, part of Exact Sciences
Classification: Uncertain significance for PKHD1-related condition. Last evaluated: 2024-07-26. Review status: no assertion criteria provided. Collection method: clinical testing. Allele origin: germline.
Comment: The PKHD1 c.10916C>A variant is predicted to result in the amino acid substitution p.Pro3639His. To our knowledge, this variant has not been reported in the literature. This variant is reported in 0.036% of alleles in individuals of African descent in gnomAD. At this time, the clinical significance of this variant is uncertain due to the absence of conclusive functional and genetic evidence.